The following is an entry in ClinVar:

ClinVar aggregate classification (germline): Uncertain significance (1 of 4 stars; one submission).

Allele frequency attached by ClinVar (database versions not stated): gnomAD exomes below 0.00001.
gnomAD v4.1: 1 of 1,613,996 alleles (0.000062%); highest among the groups gnomAD compares: Non-Finnish European, 0.000085%; no homozygotes.

Submission:

Ambry Genetics
Classification: Uncertain significance. Last evaluated: 2023-06-21. Review status: criteria provided, single submitter. Criteria: Ambry Variant Classification Scheme 2023. Collection method: clinical testing. Allele origin: germline.
Comment: The p.I296L variant (also known as c.886A>T), located in coding exon 4 of the GALNT12 gene, results from an A to T substitution at nucleotide position 886. The isoleucine at codon 296 is replaced by leucine, an amino acid with highly similar properties. This amino acid position is conserved. In addition, this alteration is predicted to be tolerated by in silico analysis. Since supporting evidence is limited at this time, the clinical significance of this alteration remains unclear.

NM_024642.5(GALNT12):c.886A>T (p.Ile296Leu)

Gene: GALNT12 (polypeptide N-acetylgalactosaminyltransferase 12; plus strand). Cytogenetic location: 9q22.33.
Variant type: single nucleotide variant.
Coding change: c.886A>T on transcript NM_024642.5 (MANE Select); coding-DNA position 886, A replaced by T.
Protein change: p.Ile296Leu; replaces isoleucine 296 with leucine.
Molecular consequence: missense variant.
Genome position (GRCh38, 1-based): chr9:98,831,926, A>T. VCF-style: chr9-98831926-A-T. GRCh37 (hg19) VCF-style: chr9-101594208-A-T.
Other names: short protein forms I296L.
Identifiers: ClinVar variation 2599161 (VCV002599161.2), dbSNP rs1588450054, ClinGen allele CA374218323.